The following is an entry in ClinVar:

ClinVar aggregate classification (germline): Uncertain significance (1 of 4 stars; one submission).

Submission:

GeneDx
Classification: Uncertain significance. Last evaluated: 2024-07-29. Review status: criteria provided, single submitter. Criteria: GeneDx Variant Classification Process June 2021. Collection method: clinical testing. Allele origin: germline. Affected: yes.
Comment: Not observed at significant frequency in large population cohorts (gnomAD); In silico analysis supports that this missense variant has a deleterious effect on protein structure/function; Has not been previously published as pathogenic or benign to our knowledge

NM_001242896.3(DEPDC5):c.4198G>A (p.Glu1400Lys)

Gene: DEPDC5 (DEP domain containing 5, GATOR1 subcomplex subunit; plus strand). Cytogenetic location: 22q12.3.
Variant type: single nucleotide variant.
Coding change: c.4198G>A on transcript NM_001242896.3 (MANE Select); coding-DNA position 4198, G replaced by A.
Protein change: p.Glu1400Lys; replaces glutamic acid 1400 with lysine.
Molecular consequence: missense variant. On other transcripts: non-coding transcript variant (5).
Genome position (GRCh38, 1-based): chr22:31,893,746, G>A. VCF-style: chr22-31893746-G-A. GRCh37 (hg19) VCF-style: chr22-32289732-G-A.
Other names: c.4171G>A, p.Glu1391Lys (NM_001136029.4); c.3898G>A, p.Glu1300Lys (NM_001242897.2); c.4132G>A, p.Glu1378Lys (NM_001363852.2, NM_001364320.2); c.3964G>A, p.Glu1322Lys (NM_001363854.2, NM_001364319.2); c.4198G>A, p.Glu1400Lys (NM_001364318.2); c.4114G>A, p.Glu1372Lys (NM_001369901.1, NM_001369902.1); c.4105G>A, p.Glu1369Lys (NM_001369903.1, NM_014662.6); short protein forms E1300K, E1322K, E1369K, E1372K, E1378K, E1391K, E1400K.
Identifiers: ClinVar variation 3602316 (VCV003602316.1).